The following is an entry in ClinVar:

NM_001164508.2(NEB):c.18862G>A (p.Val6288Ile)

Gene: NEB (nebulin; minus strand). Cytogenetic location: 2q23.3.
Variant type: single nucleotide variant.
Coding change: c.18862G>A on transcript NM_001164508.2 (MANE Select); coding-DNA position 18862, G replaced by A.
Protein change: p.Val6288Ile; replaces valine 6288 with isoleucine.
Molecular consequence: missense variant.
Genome position (GRCh38, 1-based): chr2:151,562,640, C>T on the plus strand (G>A on the coding strand, the complement: NEB is on the minus strand). VCF-style: chr2-151562640-C-T. GRCh37 (hg19) VCF-style: chr2-152419154-C-T.
Other names: c.18862G>A, p.Val6288Ile (NM_001164507.2, NM_001271208.2); c.13759G>A, p.Val4587Ile (NM_004543.5); short protein forms V6288I, V4587I.
Identifiers: ClinVar variation 199223 (VCV000199223.29), dbSNP rs201886728, ClinGen allele CA248313.
Genomic context (GRCh38, chr2:151,562,640, plus strand): 5'-GCTGAGTCAAGCTGCAGAAGGGACATCATACATCACTCAAGATCTCCTGGGCGTTTCGGA[C>T]GCGTATAACATTGGGTTCTTCCAGAAGAGACGTCCACTGGTGGAAATAGTGTCGATACTC-3'
Protein context (NP_001157980.2, residues 6278-6298): SLLEEPNVIR[Val6288Ile]RNAQEILSDN

ClinVar aggregate classification (germline): Conflicting classifications of pathogenicity. Review status: criteria provided, conflicting classifications (1 of 4 stars). 10 submissions from 10 submitters: Uncertain significance (8); Benign (1). 1 of the submissions does not count toward it. Last evaluated 2026-04-22.

Conditions:
Nemaline myopathy 2 (NEM2). Also called: Nemaline myopathy 2, autosomal recessive. Identifiers: MedGen C1850569, MONDO:0009725, OMIM 256030.
Arthrogryposis multiplex congenita 6. Identifiers: MedGen C5543431, MONDO:0030281, OMIM 619334.
NEB-related disorder. Also called: NEB-related condition; NEB-Related Disorders.
Inborn genetic diseases. Identifiers: MedGen C0950123, MeSH D030342.

Allele frequency attached by ClinVar (database versions not stated): gnomAD exomes 0.00037; ExAC 0.00039; 1000 Genomes Project 0.00040; ESP Exome Variant Server 0.00040; 1000 Genomes Project 30x 0.00047; TOPMed 0.00048; gnomAD 0.00063 and 0.00066.

Submissions (10):

PreventionGenetics, part of Exact Sciences
Classification: Uncertain significance for NEB-related condition. Last evaluated: 2026-04-22. Review status: criteria provided, single submitter. Criteria: ACMG Guidelines, 2015. Collection method: clinical testing. Allele origin: germline.
Comment: The NEB c.18862G>A variant is predicted to result in the amino acid substitution p.Val6288Ile. This variant has been reported in study of whole-exome sequencing in patients with endometriosis (Santin et al. 2023. PubMed ID: 37626618). This variant is reported in 0.057% of alleles in individuals of European (Non-Finnish) descent in gnomAD. At this time, the clinical significance of this variant is uncertain due to the absence of conclusive functional and genetic evidence.

Labcorp Genetics (formerly Invitae), Labcorp
Classification: Benign for Nemaline myopathy 2. Last evaluated: 2026-02-04. Review status: criteria provided, single submitter. Criteria: Invitae Variant Classification Sherloc (09022015). Collection method: clinical testing. Allele origin: germline.

GeneDx
Classification: Uncertain significance. Last evaluated: 2025-11-14. Review status: criteria provided, single submitter. Criteria: GeneDx Variant Classification Process June 2021. Collection method: clinical testing. Allele origin: germline. Affected: yes.
Comment: Identified in an individual with endometriosis, however additional clinical information was not provided; this individual also harbored variants in several other genes that may have contributed to the phenotype (PMID: 37626618); In silico analysis suggests that this missense variant does not alter protein structure/function; This variant is associated with the following publications: (PMID: 37626618)

Blueprint Genetics
Classification: Uncertain significance. Last evaluated: 2024-09-23. Review status: criteria provided, single submitter. Criteria: ACMG Guidelines, 2015. Collection method: clinical testing. Allele origin: germline.

Ambry Genetics
Classification: Uncertain significance for Inborn genetic diseases. Last evaluated: 2024-04-30. Review status: criteria provided, single submitter. Criteria: Ambry Variant Classification Scheme 2023. Collection method: clinical testing. Allele origin: germline.

Revvity Omics, Revvity
Classification: Uncertain significance. Last evaluated: 2023-10-04. Review status: criteria provided, single submitter. Criteria: ACMG Guidelines, 2015. Collection method: clinical testing. Allele origin: germline.

Fulgent Genetics
Classification: Uncertain significance for Nemaline myopathy 2; Arthrogryposis multiplex congenita 6. Last evaluated: 2021-12-26. Review status: criteria provided, single submitter. Criteria: ACMG Guidelines, 2015. Collection method: clinical testing. Allele origin: unknown.

Illumina Laboratory Services, Illumina
Classification: Uncertain significance for Nemaline myopathy 2. Last evaluated: 2018-01-12. Review status: criteria provided, single submitter. Criteria: ICSL Variant Classification Criteria 13 December 2019. Collection method: clinical testing. Allele origin: germline.

Eurofins Ntd Llc (ga)
Classification: Uncertain significance. Last evaluated: 2015-02-09. Review status: criteria provided, single submitter. Criteria: EGL Classification Definitions 2015. Collection method: clinical testing. Allele origin: germline. Observed: 2 variant alleles, 2 heterozygotes.

Natera, Inc.
Classification: Uncertain significance for Nemaline myopathy type 2. Last evaluated: 2020-01-24. Review status: no assertion criteria provided. Collection method: clinical testing. Allele origin: germline. Not counted in ClinVar's aggregate classification.